The following is an entry in ClinVar:

NM_000218.3(KCNQ1):c.772C>A (p.His258Asn)

Gene: KCNQ1 (potassium voltage-gated channel subfamily Q member 1; plus strand). Cytogenetic location: 11p15.5.
Variant type: single nucleotide variant.
Coding change: c.772C>A on transcript NM_000218.3 (MANE Select); coding-DNA position 772, C replaced by A.
Protein change: p.His258Asn; replaces histidine 258 with asparagine.
Molecular consequence: missense variant.
Genome position (GRCh38, 1-based): chr11:2,572,101, C>A. VCF-style: chr11-2572101-C-A. GRCh37 (hg19) VCF-style: chr11-2593331-C-A.
Other names: c.772C>A (LRG_287t1); c.772C>A, p.His258Asn (NM_001406836.1); c.502C>A, p.His168Asn (NM_001406837.1); c.391C>A, p.His131Asn (NM_181798.2); short protein forms H258N, H131N, H168N.
Identifiers: ClinVar variation 53098 (VCV000053098.3), dbSNP rs199472717, ClinGen allele CA008150.
Genomic context (GRCh38, chr11:2,572,101, plus strand): 5'-ATGCTACACGTCGACCGCCAGGGAGGCACCTGGAGGCTCCTGGGCTCCGTGGTCTTCATC[C>A]ACCGCCAGGTGGGTGGCCCGGGTTAGGGGTGCGGGGCCCAGGTTGGGGACAGGACGGAGG-3'
Protein context (NP_000209.2, residues 248-268): WRLLGSVVFI[His258Asn]RQELITTLYI

ClinVar aggregate classification (germline): not provided (0 of 4 stars; one submission).

Conditions:
Familial long QT syndrome (RWS). Also called: Congenital long QT syndrome; Romano-Ward syndrome; VENTRICULAR FIBRILLATION WITH PROLONGED QT INTERVAL. Identifiers: Orphanet 768, MedGen C1141890, MONDO:0019171.

Submission:

Cardiovascular Biomedical Research Unit, Royal Brompton & Harefield NHS Foundation Trust
No classification provided. Condition: Familial long QT syndrome. Review status: no classification provided. Collection method: literature only. Allele origin: germline.
Comment: This variant has been reported as associated with Long QT syndrome in the following publications (PMID:16414944). This is a literature report, and does not necessarily reflect the clinical interpretation of the Imperial College / Royal Brompton Cardiovascular Genetics laboratory.

Literature cited by the submitters: PubMed 16414944; PubMed 22581653.